The following is an entry in ClinVar:

ClinVar aggregate classification (germline): Uncertain significance (1 of 4 stars; one submission).

Conditions:
Multiple gastrointestinal atresias. Also called: Multiple intestinal atresia; FAMILIAL INTESTINAL POLYATRESIA SYNDROME. Identifiers: Orphanet 2300, MedGen C0220744, MONDO:0009465.

Allele frequency attached by ClinVar (database versions not stated): gnomAD 0.00003; TOPMed 0.00005.
gnomAD v4.1: 80 of 1,612,538 alleles (0.005%); highest among the groups gnomAD compares: Non-Finnish European, 0.006%; no homozygotes.

Submission:

Labcorp Genetics (formerly Invitae), Labcorp
Classification: Uncertain significance for Multiple gastrointestinal atresias. Last evaluated: 2018-04-30. Review status: criteria provided, single submitter. Criteria: Invitae Variant Classification Sherloc (09022015). Collection method: clinical testing. Allele origin: germline.
Comment: This sequence change replaces arginine with glutamine at codon 444 of the TTC7A protein (p.Arg444Gln). The arginine residue is weakly conserved and there is a small physicochemical difference between arginine and glutamine. This variant is present in population databases (rs764574982, ExAC 0.01%). This variant has not been reported in the literature in individuals with TTC7A-related disease. Algorithms developed to predict the effect of missense changes on protein structure and function output the following: SIFT: "Tolerated"; PolyPhen-2: "Benign"; Align-GVGD: "Class C0". The glutamine amino acid residue is found in multiple mammalian species, suggesting that this missense change does not adversely affect protein function. These predictions have not been confirmed by published functional studies and their clinical significance is uncertain. In summary, the available evidence is currently insufficient to determine the role of this variant in disease. Therefore, it has been classified as a Variant of Uncertain Significance.

NM_020458.4(TTC7A):c.1331G>A (p.Arg444Gln)

Gene: TTC7A (tetratricopeptide repeat domain 7A; plus strand). Cytogenetic location: 2p21.
Variant type: single nucleotide variant.
Coding change: c.1331G>A on transcript NM_020458.4 (MANE Select); coding-DNA position 1331, G replaced by A.
Protein change: p.Arg444Gln; replaces arginine 444 with glutamine.
Molecular consequence: missense variant.
Genome position (GRCh38, 1-based): chr2:47,011,374, G>A. VCF-style: chr2-47011374-G-A. GRCh37 (hg19) VCF-style: chr2-47238513-G-A.
Other names: c.1331G>A, p.Arg444Gln (LRG_1323t1, NM_001288951.2); c.1229G>A, p.Arg410Gln (NM_001288953.2); c.269G>A, p.Arg90Gln (NM_001288955.2); short protein forms R444Q, R410Q, R90Q.
Identifiers: ClinVar variation 582139 (VCV000582139.7), dbSNP rs764574982, ClinGen allele CA1647617.